The following is an entry in ClinVar:

NM_000059.4(BRCA2):c.6841+92T>C

Gene: BRCA2 (BRCA2 DNA repair associated; plus strand). Cytogenetic location: 13q13.1.
Variant type: single nucleotide variant.
Coding change: c.6841+92T>C on transcript NM_000059.4 (MANE Select); 92 bases into the intron after coding-DNA position 6841, T replaced by C.
Molecular consequence: intron variant.
Genome position (GRCh38, 1-based): chr13:32,341,288, T>C. VCF-style: chr13-32341288-T-C. GRCh37 (hg19) VCF-style: chr13-32915425-T-C.
Identifiers: ClinVar variation 1315720 (VCV001315720.9), dbSNP rs992256070, ClinGen allele CA247514826.

ClinVar aggregate classification (germline): Likely benign. Review status: criteria provided, multiple submitters, no conflicts (2 of 4 stars). 2 submissions from 2 submitters: Likely benign (2). Last evaluated 2025-07-14.

Conditions:
Hereditary breast ovarian cancer syndrome. Also called: Hereditary breast and/or ovarian cancer syndrome; Hereditary breast and ovarian cancer syndrome; Hereditary breast and ovarian cancer; Breast and ovarian cancer; Hereditary breast and ovarian cancer syndrome (HBOC); BRCA1- and BRCA2-Associated Hereditary Breast and Ovarian Cancer. Identifiers: Orphanet 145, MedGen C0677776, MeSH D061325, MONDO:0003582. Disease mechanism: loss of function.

Allele frequency attached by ClinVar (database versions not stated): gnomAD exomes 0.00001; TOPMed 0.00001.
gnomAD v4.1: 8 of 1,575,358 alleles (0.00051%); highest among the groups gnomAD compares: Admixed American, 0.01%; no homozygotes.

Submissions (2):

Labcorp Genetics (formerly Invitae), Labcorp
Classification: Likely benign for Hereditary breast ovarian cancer syndrome. Last evaluated: 2025-07-14. Review status: criteria provided, single submitter. Criteria: Invitae Variant Classification Sherloc (09022015). Collection method: clinical testing. Allele origin: germline.

GeneDx
Classification: Likely benign. Last evaluated: 2021-02-11. Review status: criteria provided, single submitter. Criteria: GeneDx Variant Classification Process June 2021. Collection method: clinical testing. Allele origin: germline. Affected: yes.
Comment: This variant is associated with the following publications: (PMID: 29088781)